The following is an entry in ClinVar:

ClinVar aggregate classification (germline): Uncertain significance. Review status: criteria provided, multiple submitters, no conflicts (2 of 4 stars). 4 submissions from 4 submitters: Uncertain significance (4). Last evaluated 2025-09-09.

Conditions:
Inborn genetic diseases. Identifiers: MedGen C0950123, MeSH D030342.

Allele frequency attached by ClinVar (database versions not stated): gnomAD exomes 0.00005 and 0.00009; ExAC 0.00010; ESP Exome Variant Server 0.00016; 1000 Genomes Project 0.00020; 1000 Genomes Project 30x 0.00031.
gnomAD v4.1: 100 of 1,569,530 alleles (0.0064%); highest among the groups gnomAD compares: Middle Eastern, 0.034%; 1 homozygote.

Submissions (4):

GeneDx
Classification: Uncertain significance. Last evaluated: 2025-09-09. Review status: criteria provided, single submitter. Criteria: GeneDx Variant Classification Process June 2021. Collection method: clinical testing. Allele origin: germline. Affected: yes.
Comment: In silico analysis suggests that this missense variant does not alter protein structure/function; Has not been previously published as pathogenic or benign to our knowledge

Blueprint Genetics
Classification: Uncertain significance. Last evaluated: 2024-02-23. Review status: criteria provided, single submitter. Criteria: ACMG Guidelines, 2015. Collection method: clinical testing. Allele origin: germline.

Ambry Genetics
Classification: Uncertain significance for Inborn genetic diseases. Last evaluated: 2023-10-05. Review status: criteria provided, single submitter. Criteria: Ambry Variant Classification Scheme 2023. Collection method: clinical testing. Allele origin: germline.

Labcorp Genetics (formerly Invitae), Labcorp
Classification: Uncertain significance. Last evaluated: 2022-08-09. Review status: criteria provided, single submitter. Criteria: Invitae Variant Classification Sherloc (09022015). Collection method: clinical testing. Allele origin: germline.
Comment: This sequence change replaces valine, which is neutral and non-polar, with isoleucine, which is neutral and non-polar, at codon 397 of the PNPT1 protein (p.Val397Ile). This variant is present in population databases (rs200016391, gnomAD 0.04%). This variant has not been reported in the literature in individuals affected with PNPT1-related conditions. ClinVar contains an entry for this variant (Variation ID: 1317488). Advanced modeling of protein sequence and biophysical properties (such as structural, functional, and spatial information, amino acid conservation, physicochemical variation, residue mobility, and thermodynamic stability) performed at Invitae indicates that this missense variant is expected to disrupt PNPT1 protein function. In summary, the available evidence is currently insufficient to determine the role of this variant in disease. Therefore, it has been classified as a Variant of Uncertain Significance.

NM_033109.5(PNPT1):c.1189G>A (p.Val397Ile)

Gene: PNPT1 (polyribonucleotide nucleotidyltransferase 1; minus strand). Cytogenetic location: 2p16.1.
Variant type: single nucleotide variant.
Coding change: c.1189G>A on transcript NM_033109.5 (MANE Select); coding-DNA position 1189, G replaced by A.
Protein change: p.Val397Ile; replaces valine 397 with isoleucine.
Molecular consequence: missense variant.
Genome position (GRCh38, 1-based): chr2:55,662,014, C>T on the plus strand (G>A on the coding strand, the complement: PNPT1 is on the minus strand). VCF-style: chr2-55662014-C-T. GRCh37 (hg19) VCF-style: chr2-55889149-C-T.
Other names: c.1189G>A (NM_033109.3); short protein forms V397I.
Identifiers: ClinVar variation 1317488 (VCV001317488.10), dbSNP rs200016391, ClinGen allele CA1668195.